The following is an entry in ClinVar:

ClinVar aggregate classification (germline): Uncertain significance (1 of 4 stars; one submission).

Submission:

Labcorp Genetics (formerly Invitae), Labcorp
Classification: Uncertain significance. Last evaluated: 2022-02-10. Review status: criteria provided, single submitter. Criteria: Invitae Variant Classification Sherloc (09022015). Collection method: clinical testing. Allele origin: germline.
Comment: This sequence change replaces leucine, which is neutral and non-polar, with valine, which is neutral and non-polar, at codon 1636 of the TUBGCP6 protein (p.Leu1636Val). This variant is not present in population databases (gnomAD no frequency). This variant has not been reported in the literature in individuals affected with TUBGCP6-related conditions. ClinVar contains an entry for this variant (Variation ID: 999115). Algorithms developed to predict the effect of missense changes on protein structure and function are either unavailable or do not agree on the potential impact of this missense change (SIFT: "Tolerated"; PolyPhen-2: "Probably Damaging"; Align-GVGD: "Class C0"). Algorithms developed to predict the effect of sequence changes on RNA splicing suggest that this variant may create or strengthen a splice site. In summary, the available evidence is currently insufficient to determine the role of this variant in disease. Therefore, it has been classified as a Variant of Uncertain Significance.

NM_020461.4(TUBGCP6):c.4906C>G (p.Leu1636Val)

Gene: TUBGCP6 (tubulin gamma complex component 6; minus strand). Cytogenetic location: 22q13.33.
Variant type: single nucleotide variant.
Coding change: c.4906C>G on transcript NM_020461.4 (MANE Select); coding-DNA position 4906, C replaced by G.
Protein change: p.Leu1636Val; replaces leucine 1636 with valine.
Molecular consequence: missense variant.
Genome position (GRCh38, 1-based): chr22:50,218,536, G>C on the plus strand (C>G on the coding strand, the complement: TUBGCP6 is on the minus strand). VCF-style: chr22-50218536-G-C. GRCh37 (hg19) VCF-style: chr22-50656965-G-C.
Other names: short protein forms L1636V.
Identifiers: ClinVar variation 999115 (VCV000999115.8), dbSNP rs2064457266, ClinGen allele CA412165590.
Genomic context (GRCh38, chr22:50,218,536, plus strand): 5'-GCGGGGCCTCACCTGTGCGCTTGAGGTGGAAGCAGACGTCCTTGAGCGCCCACATCATGA[G>C]CTTCAGCTGCAGCAGGAAGGAGAAGACGCCGCTGTACTTGCTCACGCAGCCCTCGGTGAT-3'
Protein context (NP_065194.3, residues 1626-1646): GVFSFLLQLK[Leu1636Val]MMWALKDVCF